The following is an entry in ClinVar:

ClinVar aggregate classification (germline): Uncertain significance. Review status: criteria provided, multiple submitters, no conflicts (2 of 4 stars). 2 submissions from 2 submitters: Uncertain significance (2). Last evaluated 2025-06-22.

Conditions:
Medulloblastoma (MDB). Also called: MEDULLOBLASTOMA PREDISPOSITION SYNDROME; Medulloblastoma, somatic. Identifiers: Orphanet 616, MedGen C0025149, MeSH D008527, MONDO:0007959, OMIM 155255, HP:0002885.
Gorlin syndrome. Also called: Basal cell nevus syndrome; Nevoid Basal Cell Carcinoma Syndrome. Identifiers: Orphanet 377, MedGen C0004779, MONDO:0007187.
Hereditary cancer-predisposing syndrome. Also called: Hereditary Cancer Syndrome; Hereditary neoplastic syndrome; Tumor predisposition; Neoplastic Syndromes, Hereditary. Identifiers: Orphanet 140162, MedGen C0027672, MeSH D009386, MONDO:0015356.

Allele frequency attached by ClinVar (database versions not stated): gnomAD exomes below 0.00001.

Submissions (2):

Labcorp Genetics (formerly Invitae), Labcorp
Classification: Uncertain significance for Gorlin syndrome; Medulloblastoma. Last evaluated: 2025-06-22. Review status: criteria provided, single submitter. Criteria: Invitae Variant Classification Sherloc (09022015). Collection method: clinical testing. Allele origin: germline.
Comment: This sequence change replaces histidine, which is basic and polar, with tyrosine, which is neutral and polar, at codon 250 of the SUFU protein (p.His250Tyr). This variant is not present in population databases (gnomAD no frequency). This variant has not been reported in the literature in individuals affected with SUFU-related conditions. ClinVar contains an entry for this variant (Variation ID: 1354190). Invitae Evidence Modeling of protein sequence and biophysical properties (such as structural, functional, and spatial information, amino acid conservation, physicochemical variation, residue mobility, and thermodynamic stability) indicates that this missense variant is not expected to disrupt SUFU protein function with a negative predictive value of 80%. In summary, the available evidence is currently insufficient to determine the role of this variant in disease. Therefore, it has been classified as a Variant of Uncertain Significance.

Ambry Genetics
Classification: Uncertain significance for Hereditary cancer-predisposing syndrome. Last evaluated: 2024-12-30. Review status: criteria provided, single submitter. Criteria: Ambry Variant Classification Scheme 2023. Collection method: clinical testing. Allele origin: germline.
Comment: The p.H250Y variant (also known as c.748C>T), located in coding exon 6 of the SUFU gene, results from a C to T substitution at nucleotide position 748. The histidine at codon 250 is replaced by tyrosine, an amino acid with similar properties. This amino acid position is highly conserved in available vertebrate species. In addition, the in silico prediction for this alteration is inconclusive. Since supporting evidence is limited at this time, the clinical significance of this alteration remains unclear.

NM_016169.4(SUFU):c.748C>T (p.His250Tyr)

Gene: SUFU (SUFU negative regulator of hedgehog signaling; plus strand). Cytogenetic location: 10q24.32.
Variant type: single nucleotide variant.
Coding change: c.748C>T on transcript NM_016169.4 (MANE Select); coding-DNA position 748, C replaced by T.
Protein change: p.His250Tyr; replaces histidine 250 with tyrosine.
Molecular consequence: missense variant.
Genome position (GRCh38, 1-based): chr10:102,594,057, C>T. VCF-style: chr10-102594057-C-T. GRCh37 (hg19) VCF-style: chr10-104353814-C-T.
Other names: c.748C>T, p.His250Tyr (NM_001178133.2); short protein forms H250Y.
Identifiers: ClinVar variation 1354190 (VCV001354190.11), dbSNP rs2135872528, ClinGen allele CA377909931.